The following is an entry in ClinVar:

ClinVar aggregate classification (germline): Uncertain significance (1 of 4 stars; one submission).

Conditions:
Hereditary cancer-predisposing syndrome. Also called: Hereditary neoplastic syndrome; Tumor predisposition; Neoplastic Syndromes, Hereditary; Hereditary Cancer Syndrome. Identifiers: Orphanet 140162, MedGen C0027672, MeSH D009386, MONDO:0015356.

gnomAD v4.1: 4 of 152,170 alleles (0.0026%); highest among the groups gnomAD compares: African/African-American, 0.0048%; no homozygotes.

Submission:

Sema4
Classification: Uncertain significance for Hereditary cancer-predisposing syndrome. Last evaluated: 2022-02-07. Review status: criteria provided, single submitter. Criteria: Sema4 Curation Guidelines. Collection method: curation. Allele origin: germline.
Comment: The BRCA1 c.80+4041C>T variant has been reported in at least one individual with breast and ovarian cancer predisposition (PMID: 29236234). It was observed in 1/3474 chromosomes of the Finnish subpopulation in the large and broad cohorts of the Genome Aggregation Database (PMID: 32461654). The variant has not been reported in ClinVar. In silico tools suggest the variant does not have an impact on splicing though these predictions have not been confirmed by functional studies. The evidence is insufficient to meet ACMG/AMP criteria for classifying the variant as benign or pathogenic. Thus, the clinical significance of this variant is currently uncertain.

Literature cited by the submitters: PubMed 29236234.

NM_007294.4(BRCA1):c.80+4041C>T

Genes: BRCA1 (BRCA1 DNA repair associated; minus strand), LOC111589216 (BRCA1 intron 2 regulatory region; plus strand), LOC110485084 (BRCA1 intronic recombination region; plus strand). Cytogenetic location: 17q21.31.
Variant type: single nucleotide variant.
Coding change: c.80+4041C>T on transcript NM_007294.4 (MANE Select); 4041 bases into the intron after coding-DNA position 80, C replaced by T.
Molecular consequence: intron variant.
Genome position (GRCh38, 1-based): chr17:43,119,976, G>A on the plus strand (C>T on the coding strand, the complement: BRCA1 is on the minus strand). VCF-style: chr17-43119976-G-A. GRCh37 (hg19) VCF-style: chr17-41271993-G-A.
Other names: c.-109+4041C>T (NM_001408478.1, NM_001407907.1, NM_001407879.1 and 46 more transcripts); c.80+4041C>T (NM_001408450.1, NM_001408434.1, NM_001407672.1 and 192 more transcripts); c.-109+1582C>T (NM_001407917.1, NM_001408513.1, NM_001407954.1); c.-62+1582C>T (NM_001408462.1, NM_001407838.1, NM_001408410.1 and 25 more transcripts); c.-55+4041C>T (NM_001407902.1, NM_001407898.1, NM_001407881.1); c.-178+4041C>T (NM_001407724.1, NM_001408468.1, NM_001407842.1 and 11 more transcripts); c.-206-711C>T (NM_001407697.1, NM_001407846.1, NM_001407920.1); c.-61-4197C>T (NM_001408458.1, NM_001408470.1, NM_001407848.1 and 16 more transcripts); and 18 more.
Identifiers: ClinVar variation 1692979 (VCV001692979.1), dbSNP rs186936074, ClinGen allele CA290824723.